The following is an entry in ClinVar:

NM_005343.4(HRAS):c.424A>G (p.Ile142Val)

Genes: HRAS (HRas proto-oncogene, GTPase; minus strand), LRRC56 (leucine rich repeat containing 56; plus strand). Cytogenetic location: 11p15.5.
Variant type: single nucleotide variant.
Coding change: c.424A>G on transcript NM_005343.4 (MANE Select); coding-DNA position 424, A replaced by G.
Protein change: p.Ile142Val; replaces isoleucine 142 with valine.
Molecular consequence: missense variant. On other transcripts: synonymous variant (1).
Genome position (GRCh38, 1-based): chr11:533,479, T>C on the plus strand (A>G on the coding strand, the complement: HRAS is on the minus strand). VCF-style: chr11-533479-T-C. GRCh37 (hg19) VCF-style: chr11-533479-T-C.
Other names: c.424A>G, p.Ile142Val (NM_001130442.3, NM_176795.5); c.105A>G, p.Thr35= (NM_001318054.2); short protein forms I142V.
Identifiers: ClinVar variation 1047151 (VCV001047151.9), dbSNP rs1564788848, ClinGen allele CA378922873.

ClinVar aggregate classification (germline): Uncertain significance (1 of 4 stars; one submission).

Conditions:
Costello syndrome (CSTLO). Also called: HRAS-Related Costello Syndrome; FACIOCUTANEOSKELETAL SYNDROME; FCS SYNDROME. Identifiers: Orphanet 3071, MedGen C0587248, MONDO:0009026, OMIM 218040.

gnomAD v4.1: 6 of 1,613,420 alleles (0.00037%); highest among the groups gnomAD compares: South Asian, 0.0011%; no homozygotes.

Submission:

Labcorp Genetics (formerly Invitae), Labcorp
Classification: Uncertain significance for Costello syndrome. Last evaluated: 2025-07-08. Review status: criteria provided, single submitter. Criteria: Invitae Variant Classification Sherloc (09022015). Collection method: clinical testing. Allele origin: germline.
Comment: This sequence change replaces isoleucine, which is neutral and non-polar, with valine, which is neutral and non-polar, at codon 142 of the HRAS protein (p.Ile142Val). This variant is not present in population databases (gnomAD no frequency). This variant has not been reported in the literature in individuals affected with HRAS-related conditions. ClinVar contains an entry for this variant (Variation ID: 1047151). Invitae Evidence Modeling of protein sequence and biophysical properties (such as structural, functional, and spatial information, amino acid conservation, physicochemical variation, residue mobility, and thermodynamic stability) indicates that this missense variant is not expected to disrupt HRAS protein function with a negative predictive value of 95%. In summary, the available evidence is currently insufficient to determine the role of this variant in disease. Therefore, it has been classified as a Variant of Uncertain Significance.